The following is an entry in ClinVar:

NM_000092.5(COL4A4):c.4851_4854dup (p.Pro1619fs)

Gene: COL4A4 (collagen type IV alpha 4 chain; minus strand). Cytogenetic location: 2q36.3.
Variant type: Duplication.
Coding change: c.4851_4854dup on transcript NM_000092.5 (MANE Select); coding-DNA positions 4851 to 4854, 4 bases duplicated (GTCA; older notation c.4851_4854dupGTCA).
Protein change: p.Pro1619fs; shifts the reading frame from proline 1619.
Molecular consequence: frameshift variant.
Genome position (GRCh38, 1-based): chr2:227,007,544-227,007,547, TGAC duplicated on the plus strand (GTCA on the coding strand, the reverse complement: COL4A4 is on the minus strand). VCF-style (leftmost placement, unchanged base first): chr2-227007543-G-GTGAC. GRCh37 (hg19) VCF-style: chr2-227872259-G-GTGAC.
Other names: short protein forms P1619fs.
Identifiers: ClinVar variation 2711016 (VCV002711016.3), dbSNP rs2472583392, ClinGen allele CA2697550488.

ClinVar aggregate classification (germline): Pathogenic (1 of 4 stars; one submission).

Submission:

Labcorp Genetics (formerly Invitae), Labcorp
Classification: Pathogenic. Last evaluated: 2024-01-24. Review status: criteria provided, single submitter. Criteria: Invitae Variant Classification Sherloc (09022015). Collection method: clinical testing. Allele origin: germline.
Comment: This sequence change creates a premature translational stop signal (p.Pro1619Valfs*16) in the COL4A4 gene. While this is not anticipated to result in nonsense mediated decay, it is expected to disrupt the last 72 amino acid(s) of the COL4A4 protein. This variant is not present in population databases (gnomAD no frequency). This variant has not been reported in the literature in individuals affected with COL4A4-related conditions. This variant disrupts a region of the COL4A4 protein in which other variant(s) (p.Arg1682Gln) have been determined to be pathogenic (PMID: 17216251, 26809805, 27859054). This suggests that this is a clinically significant region of the protein, and that variants that disrupt it are likely to be disease-causing. For these reasons, this variant has been classified as Pathogenic.

Literature cited by the submitters: PubMed 17216251; PubMed 26809805; PubMed 27859054.